The following is an entry in ClinVar:

ClinVar aggregate classification (germline): Uncertain significance. Review status: criteria provided, multiple submitters, no conflicts (2 of 4 stars). 2 submissions from 2 submitters: Uncertain significance (2). Last evaluated 2025-08-18.

Conditions:
Hypertrophic cardiomyopathy 14. Identifiers: MedGen C2750467, MONDO:0013197, OMIM 613251.
Cardiovascular phenotype. Identifiers: MedGen CN230736.

Allele frequency attached by ClinVar (database versions not stated): gnomAD exomes below 0.00001; TOPMed below 0.00001.

Submissions (2):

Labcorp Genetics (formerly Invitae), Labcorp
Classification: Uncertain significance for Hypertrophic cardiomyopathy 14. Last evaluated: 2025-08-18. Review status: criteria provided, single submitter. Criteria: Invitae Variant Classification Sherloc (09022015). Collection method: clinical testing. Allele origin: germline.
Comment: This sequence change replaces asparagine, which is neutral and polar, with serine, which is neutral and polar, at codon 1273 of the MYH6 protein (p.Asn1273Ser). This variant is not present in population databases (gnomAD no frequency). This variant has not been reported in the literature in individuals affected with MYH6-related conditions. ClinVar contains an entry for this variant (Variation ID: 470531). Invitae Evidence Modeling of protein sequence and biophysical properties (such as structural, functional, and spatial information, amino acid conservation, physicochemical variation, residue mobility, and thermodynamic stability) indicates that this missense variant is not expected to disrupt MYH6 protein function with a negative predictive value of 80%. In summary, the available evidence is currently insufficient to determine the role of this variant in disease. Therefore, it has been classified as a Variant of Uncertain Significance.

Ambry Genetics
Classification: Uncertain significance for Cardiovascular phenotype. Last evaluated: 2025-08-15. Review status: criteria provided, single submitter. Criteria: Ambry Variant Classification Scheme 2023. Collection method: clinical testing. Allele origin: germline.

NM_002471.4(MYH6):c.3818A>G (p.Asn1273Ser)

Gene: MYH6 (myosin heavy chain 6; minus strand). Cytogenetic location: 14q11.2.
Variant type: single nucleotide variant.
Coding change: c.3818A>G on transcript NM_002471.4 (MANE Select); coding-DNA position 3818, A replaced by G.
Protein change: p.Asn1273Ser; replaces asparagine 1273 with serine.
Molecular consequence: missense variant.
Genome position (GRCh38, 1-based): chr14:23,389,634, T>C on the plus strand (A>G on the coding strand, the complement: MYH6 is on the minus strand). VCF-style: chr14-23389634-T-C. GRCh37 (hg19) VCF-style: chr14-23858843-T-C.
Other names: short protein forms N1273S.
Identifiers: ClinVar variation 470531 (VCV000470531.10), dbSNP rs1383779893, ClinGen allele CA389003447.